The following is an entry in ClinVar:

ClinVar aggregate classification (germline): Uncertain significance (1 of 4 stars; one submission).

Conditions:
Neuroblastoma, susceptibility to, 3. Also called: ALK-Related Neuroblastic Tumor Susceptibility. Identifiers: Orphanet 635, MedGen C2751681, MONDO:0013083, OMIM 613014.

Submission:

Labcorp Genetics (formerly Invitae), Labcorp
Classification: Uncertain significance for Neuroblastoma, susceptibility to, 3. Last evaluated: 2023-02-20. Review status: criteria provided, single submitter. Criteria: Invitae Variant Classification Sherloc (09022015). Collection method: clinical testing. Allele origin: germline.
Comment: In summary, the available evidence is currently insufficient to determine the role of this variant in disease. Therefore, it has been classified as a Variant of Uncertain Significance. An algorithm developed to predict the effect of missense changes on protein structure and function (PolyPhen-2) suggests that this variant is likely to be tolerated. This variant has not been reported in the literature in individuals affected with ALK-related conditions. This variant is not present in population databases (gnomAD no frequency). This sequence change replaces alanine, which is neutral and non-polar, with aspartic acid, which is acidic and polar, at codon 1595 of the ALK protein (p.Ala1595Asp).

NM_004304.5(ALK):c.4784C>A (p.Ala1595Asp)

Gene: ALK (ALK receptor tyrosine kinase; minus strand). Cytogenetic location: 2p23.2.
Variant type: single nucleotide variant.
Coding change: c.4784C>A on transcript NM_004304.5 (MANE Select); coding-DNA position 4784, C replaced by A.
Protein change: p.Ala1595Asp; replaces alanine 1595 with aspartic acid.
Molecular consequence: missense variant.
Genome position (GRCh38, 1-based): chr2:29,193,303, G>T on the plus strand (C>A on the coding strand, the complement: ALK is on the minus strand). VCF-style: chr2-29193303-G-T. GRCh37 (hg19) VCF-style: chr2-29416169-G-T.
Other names: c.1580C>A, p.Ala527Asp (NM_001353765.2); short protein forms A1595D, A527D.
Identifiers: ClinVar variation 2839246 (VCV002839246.3), dbSNP rs2148137128, ClinGen allele CA346460239.